The following is an entry in ClinVar:

NM_000152.5(GAA):c.1710C>G (p.Asn570Lys)

Gene: GAA (alpha glucosidase; plus strand). Cytogenetic location: 17q25.3.
Variant type: single nucleotide variant.
Coding change: c.1710C>G on transcript NM_000152.5 (MANE Select); coding-DNA position 1710, C replaced by G.
Protein change: p.Asn570Lys; replaces asparagine 570 with lysine.
Molecular consequence: missense variant.
Genome position (GRCh38, 1-based): chr17:80,112,056, C>G. VCF-style: chr17-80112056-C-G. GRCh37 (hg19) VCF-style: chr17-78085855-C-G.
Other names: NM_000152.5(GAA):c.1710C>G; c.1710C>G (LRG_673t1); c.1710C>G, p.Asn570Lys (NM_001079803.3, NM_001079804.3); short protein forms N570K.
Identifiers: ClinVar variation 555153 (VCV000555153.26), dbSNP rs765362308, ClinGen allele CA401369044.

ClinVar aggregate classification (germline): Likely pathogenic. Review status: reviewed by expert panel (3 of 4 stars). 10 submissions from 10 submitters: Likely pathogenic (1). 9 of the submissions do not count toward it. Last evaluated 2024-11-22.

Conditions:
GAA-related disorders.
Glycogen storage disease, type II (IOPD). Also called: Glycogen storage disease type 2; Acid maltase deficiency disease; Aglucosidase alfa; Deficiency of alpha-glucosidase; Deficiency of lysosomal alpha-glucosidase; POMPE DISEASE, INFANTILE-ONSET. Identifiers: Orphanet 365, MedGen C0017921, MONDO:0009290, OMIM 232300.

Allele frequency attached by ClinVar (database versions not stated): TOPMed 0.00001; gnomAD 0.00002.
gnomAD v4.1: 4 of 1,613,996 alleles (0.00025%); highest among the groups gnomAD compares: African/African-American, 0.004%; no homozygotes.

Submissions (10):

ClinGen Lysosomal Storage Disorder Variant Curation Expert Panel
Classification: Likely pathogenic for Glycogen storage disease, type II. Last evaluated: 2024-11-22. Review status: reviewed by expert panel. Criteria: clingen_lsd_acmg_specifications_v2-1. Collection method: curation. Allele origin: germline. Inheritance: Autosomal recessive inheritance.
Comment: The NM_000152.5:c.1710C>G (p.Asn570Lys) variant in GAA has a minor allele frequency in gnomAD of 0.0001149 in the African population, which is lower than the ClinGen LSD VCEP threshold (<0.001) for PM2_Supporting, meeting this criterion. At least three individuals have been reported with this variant and documented GAA activity in the affected range and/or were reported to be on enzyme replacement therapy for Pompe disease (PMID: 17151339, 22538254, 29122469, 32248831) (PP4_Moderate). This variant was found in compound heterozygosity with another variant in GAA that has been classified as pathogenic by the ClinGen Lysosomal Diseases VCEP including c.2560C>T (p.Arg854Ter) (ClinVar Variation ID: 4034, SCV001371731.1), phase unconfirmed, in at least one patient with Pompe disease (PMID: 22538254, 22658377, 29122469, 31193175)(0.5 points), and confirmed in trans in a patient with c.953T>C (p.Met318Thr) (ClinVar Variation ID: 4021; SCV002583364.1) (PMID: 36636589) (1 point). Another patient with the variant, along with with c.-32-13T>G and a rare synonymous variant c.1923G>A (p.Leu641=) has been reported (PMID: 32248831). While the allelic data from the latter patient is likely supportive of pathogenicity for c.1710C>G (p.Asn570Lys), it is not included here because the impact of p.Leu641= is unknown (Total 1.5 points) (PM3). Functional assays support a deleterious effect of this variant. When expressed in COS cells, this variant was classified as Class B ("potentially less severe") by Kroos et al, 2012 (PMID:22644586). This includes 0.9% GAA activity in cells and 0.5% in medium, and evidence of abnormal synthesis and processing on Western blot (PS3_Moderate). Computational evidence is inconclusive, REVEL score = 0.662 which is lower than the LD VCEP threshold for PP3 (>0.7) but higher than the LD VCEP threshold for BP4 (<0.5), and therefore does not meet either criterion. There is a ClinVar entry for this variant (Variation ID: 555153). In summary, this variant meets the criteria to be classified as Likely Pathogenic for Pompe disease based on the specifications of the ClinGen Lysosomal Diseases Variant Curation Expert Panel. GAA-specific GAA-specific ACMG/AMP criteria met (Specifications Version 2.0): PS3_Moderate, PM3, PP4_Moderate, PM2_Supporting. (Classification approved by the ClinGen Lysosomal Diseases Variant Curation Expert Panel on November 22, 2024).

Genomenon, Inc
Classification: Likely pathogenic for Glycogen storage disease, type II. Last evaluated: 2026-07-01. Review status: criteria provided, single submitter. Criteria: Genomenon Sequence Variant Interpretation Standards - Updated. Collection method: curation. Allele origin: germline. Affected: yes. Not counted in ClinVar's aggregate classification.
Comment: GAA p.Asn570Lys (c.1710C>G) is a missense variant that changes the amino acid at codon 570 from Asparagine to Lysine. This variant has been observed in at least one proband with a GAA-related disorder in the compound heterozygous and/or homozygous state (PMID:31193175;22658377). At least one functional study has demonstrated a substantial alteration in protein function relative to the wild-type (PMID:22644586). It is absent or not present at a significant frequency in gnomAD. In conclusion, we classify GAA p.Asn570Lys (c.1710C>G) as a likely pathogenic variant.

Labcorp Genetics (formerly Invitae), Labcorp
Classification: Pathogenic for Glycogen storage disease, type II. Last evaluated: 2026-01-12. Review status: criteria provided, single submitter. Criteria: Invitae Variant Classification Sherloc (09022015). Collection method: clinical testing. Allele origin: germline. Not counted in ClinVar's aggregate classification.
Comment: This sequence change replaces asparagine, which is neutral and polar, with lysine, which is basic and polar, at codon 570 of the GAA protein (p.Asn570Lys). This variant is present in population databases (no rsID available, gnomAD 0.01%). This missense change has been observed in individuals with Pompe disease (PMID: 18425781, 22658377, 29122469, 31086307). ClinVar contains an entry for this variant (Variation ID: 555153). Invitae Evidence Modeling of protein sequence and biophysical properties (such as structural, functional, and spatial information, amino acid conservation, physicochemical variation, residue mobility, and thermodynamic stability) indicates that this missense variant is expected to disrupt GAA protein function with a positive predictive value of 95%. Experimental studies are conflicting or provide insufficient evidence to determine the effect of this variant on GAA function (PMID: 22644586). For these reasons, this variant has been classified as Pathogenic.

Natera, Inc.
Classification: Likely pathogenic for Glycogen storage disease type II. Last evaluated: 2025-05-18. Review status: criteria provided, single submitter. Criteria: Natera Variant Classification Schema (03/2026). Collection method: clinical testing. Allele origin: germline. Not counted in ClinVar's aggregate classification.
Comment: The c.1710C>G variant in GAA is a missense variant predicted to cause substitution of asparagine to lysine at amino acid 570. This variant is rare in the general population with a frequency below the threshold expected for the associated phenotype(s). This variant has been observed in one or more individuals affected with the associated recessive disease, as either homozygous or compound heterozygous with a second variant (PMID: 31086307, 21637107, 32248831, 36636589). Computational prediction algorithms indicate this variant is likely to affect gene or protein function. Given the available evidence, this variant is classified as Likely Pathogenic.

Women's Health and Genetics/Laboratory Corporation of America, LabCorp
Classification: Likely pathogenic for Glycogen storage disease, type II. Last evaluated: 2024-11-20. Review status: criteria provided, single submitter. Criteria: LabCorp Variant Classification Summary - May 2015. Collection method: clinical testing. Allele origin: germline. Not counted in ClinVar's aggregate classification.
Comment: Variant summary: GAA c.1710C>G (p.Asn570Lys) results in a non-conservative amino acid change in the encoded protein sequence. Five of five in-silico tools predict a damaging effect of the variant on protein function. The variant was absent in 251344 control chromosomes (gnomAD). c.1710C>G has been reported in combination with another GAA variant in the literature in individuals affected with infantile-onset Pompe disease or late-onset Pompe disease (Banugaria_2011, Kishnani_2019, Vanherpe_2020, De Groot_2021). These data indicate that the variant is likely to be associated with disease. At least one functional paper reports experimental evidence evaluating an impact on protein function and this variant results in reducing alpha-glucosidase activity in transfected cells compared to WT activity (Kroos_2012). The following publications have been ascertained in the context of this evaluation (PMID: 21637107, 30711607, 34220802, 31193175, 31086307, 18425781, 22644586, 29122469, 31254424, 22658377, 33717985, 22538254, 36636589, 29061980, 30281819, 32248831). ClinVar contains an entry for this variant (Variation ID: 555153). Based on the evidence outlined above, the variant was classified as likely pathogenic.

Baylor Genetics
Classification: Likely pathogenic for Glycogen storage disease, type II. Last evaluated: 2024-02-23. Review status: criteria provided, single submitter. Criteria: ACMG Guidelines, 2015. Collection method: clinical testing. Allele origin: unknown. Not counted in ClinVar's aggregate classification.

Blueprint Genetics
Classification: Likely pathogenic for GAA-related disorders. Last evaluated: 2023-09-15. Review status: criteria provided, single submitter. Criteria: ACMG Guidelines, 2015. Collection method: clinical testing. Allele origin: germline. Affected: yes. Observed: 1 variant allele. Not counted in ClinVar's aggregate classification.

Revvity Omics, Revvity
Classification: Likely pathogenic. Last evaluated: 2020-12-25. Review status: criteria provided, single submitter. Criteria: ACMG Guidelines, 2015. Collection method: clinical testing. Allele origin: germline. Not counted in ClinVar's aggregate classification.

Broad Center for Mendelian Genomics, Broad Institute of MIT and Harvard
Classification: Likely pathogenic for Glycogen storage disease, type II. Last evaluated: 2020-01-22. Review status: criteria provided, single submitter. Criteria: ACMG Guidelines, 2015. Collection method: curation. Allele origin: germline. Inheritance: Autosomal recessive inheritance. Not counted in ClinVar's aggregate classification.
Comment: The p.Asn570Lys variant in GAA has been reported in three individuals with glycogen storage disease II (PMID: 29122469, 22658377, 18425781, 22538254) and has been identified in 0.011% (1/8702) of African chromosomes by the Genome Aggregation Database (gnomAD; dbSNP rs765362308). Although this variant has been seen in the general population, its frequency is low enough to be consistent with a recessive carrier frequency. This variant has also been reported in ClinVar as a VUS by Counsyl (VariationID: 555153). In vitro functional studies using COS-7 cells transfected with the variant provide some evidence that the p.Asn570Lys variant may impact protein function (PMID: 22644586). However, these types of assays may not accurately represent biological function. The phenotype of an individual heterozygous for this variant is highly specific for glycogen storage disease II based on GAA enzyme activity in fibroblasts being <1% of wild type, consistent with disease (PMID: 17151339). Computational prediction tools do not provide strong support for or against an impact to the protein, but the Asn at position 570 is not conserved in mammals or evolutionary distant species, raising the possibility that a change at this position may be tolerated. However, the presence of this variant in combination with reported pathogenic variant p.Arg584Ter (VariationID: 4034, PMID: 29122469, 22658377, 22538254) and in an individual with glycogen storage disease II increases the likelihood that the p.Asn570Lys variant is pathogenic. In summary, although additional studies are required to fully establish its clinical significance, this variant is likely pathogenic. ACMG/AMP Criteria applied: PS3, PM2, PM3_Supporting PP4 (Richards 2015).

Counsyl
Classification: Uncertain significance for Glycogen storage disease, type II. Last evaluated: 2017-11-19. Review status: no assertion criteria provided. Collection method: clinical testing. Allele origin: unknown. Not counted in ClinVar's aggregate classification.

Literature cited by the submitters: PubMed 31193175 (cited by Genomenon, Inc and Women's Health and Genetics/Laboratory Corporation of America, LabCorp); PubMed 22658377 (cited by 4 submitters); PubMed 22644586 (cited by 4 submitters); PubMed 18425781 (cited by 3 submitters); PubMed 29122469 (cited by 3 submitters); PubMed 31086307 (cited by 3 submitters); PubMed 21637107 (cited by Natera, Inc. and Women's Health and Genetics/Laboratory Corporation of America, LabCorp); PubMed 32248831 (cited by Natera, Inc. and Women's Health and Genetics/Laboratory Corporation of America, LabCorp); PubMed 36636589 (cited by Natera, Inc. and Women's Health and Genetics/Laboratory Corporation of America, LabCorp); PubMed 22538254 (cited by 3 submitters); PubMed 29061980 (cited by Women's Health and Genetics/Laboratory Corporation of America, LabCorp); PubMed 31254424 (cited by Women's Health and Genetics/Laboratory Corporation of America, LabCorp); PubMed 30281819 (cited by Women's Health and Genetics/Laboratory Corporation of America, LabCorp); PubMed 30711607 (cited by Women's Health and Genetics/Laboratory Corporation of America, LabCorp); PubMed 34220802 (cited by Women's Health and Genetics/Laboratory Corporation of America, LabCorp); PubMed 33717985 (cited by Women's Health and Genetics/Laboratory Corporation of America, LabCorp); PubMed 17151339 (cited by Broad Center for Mendelian Genomics, Broad Institute of MIT and Harvard).